The following is an entry in ClinVar:

ClinVar aggregate classification (germline): Uncertain significance (1 of 4 stars; one submission).

Conditions:
Combined immunodeficiency due to LRBA deficiency. Also called: Common variable immunodeficiency 8, with autoimmunity. Identifiers: Orphanet 445018, MedGen C3553512, MONDO:0013863, OMIM 614700.

Submission:

Labcorp Genetics (formerly Invitae), Labcorp
Classification: Uncertain significance for Combined immunodeficiency due to LRBA deficiency. Last evaluated: 2022-08-20. Review status: criteria provided, single submitter. Criteria: Invitae Variant Classification Sherloc (09022015). Collection method: clinical testing. Allele origin: germline.
Comment: This sequence change falls in intron 55 of the LRBA gene. It does not directly change the encoded amino acid sequence of the LRBA protein. It affects a nucleotide within the consensus splice site. This variant has not been reported in the literature in individuals affected with LRBA-related conditions. This variant is not present in population databases (gnomAD no frequency). Variants that disrupt the consensus splice site are a relatively common cause of aberrant splicing (PMID: 17576681, 9536098). Algorithms developed to predict the effect of sequence changes on RNA splicing suggest that this variant is not likely to affect RNA splicing. In summary, the available evidence is currently insufficient to determine the role of this variant in disease. Therefore, it has been classified as a Variant of Uncertain Significance.

Literature cited by the submitters: PubMed 17576681; PubMed 9536098.

NM_001364905.1(LRBA):c.8120-3C>T

Gene: LRBA (LPS responsive beige-like anchor protein; minus strand). Cytogenetic location: 4q31.3.
Variant type: single nucleotide variant.
Coding change: c.8120-3C>T on transcript NM_001364905.1 (MANE Select); 3 bases into the intron before coding-DNA position 8120, C replaced by T.
Molecular consequence: intron variant.
Genome position (GRCh38, 1-based): chr4:150,282,649, G>A on the plus strand (C>T on the coding strand, the complement: LRBA is on the minus strand). VCF-style: chr4-150282649-G-A. GRCh37 (hg19) VCF-style: chr4-151203801-G-A.
Other names: c.8135-3C>T (NM_001367550.1, NM_001440431.1); c.8153-3C>T (NM_006726.5); c.8117-3C>T (NM_001199282.3); c.8168-3C>T (NM_001440430.1); c.1838-3C>T (NM_001440432.1); c.1832-3C>T (NM_001440433.1).
Identifiers: ClinVar variation 2024988 (VCV002024988.4), dbSNP rs2545728793, ClinGen allele CA2580071615.